The following is an entry in ClinVar:

ClinVar aggregate classification (germline): Conflicting classifications of pathogenicity. Review status: criteria provided, conflicting classifications (1 of 4 stars). 10 submissions from 9 submitters: Pathogenic (4); Likely pathogenic (1); Uncertain significance (1). 4 of the submissions do not count toward it. Last evaluated 2025-04-22.
ClinVar aggregate classification (somatic clinical impact): Tier I - Strong. Review status: criteria provided, single submitter (1 of 4 stars). 7 submissions from 1 submitter. 3 of the submissions do not count toward it. Last evaluated 2025-03-24.
ClinVar aggregate classification (oncogenicity): Oncogenic (1 of 4 stars; one submission).

Conditions:
Epidermal nevus. Also called: NEVUS, KERATINOCYTIC, NONEPIDERMOLYTIC; Nevus, epidermal, somatic. Identifiers: Orphanet 79414, MedGen C0334082, MONDO:0008093, OMIM 162900, HP:0010816.
Large congenital melanocytic nevus (CMNS). Also called: Giant congenital nevus; MELANOCYTIC NEVUS SYNDROME, CONGENITAL, SOMATIC; PIGMENTED MOLES; Congenital giant melanocytic nevus; Giant hairy nevus; Bathing trunk nevus. Identifiers: Orphanet 626, MedGen C1842036, MONDO:0044792, OMIM 137550, HP:0005600.
Vascular Tumors Including Pyogenic Granuloma.
NRAS-related disorder. Also called: NRAS-related condition.
Colorectal cancer. Also called: Malignant Colorectal Neoplasm; Colorectal cancer, somatic. Identifiers: MedGen C0346629, MONDO:0005575, OMIM 114500.
Neurocutaneous melanocytosis (NCMS). Also called: NEUROCUTANEOUS MELANOSIS, SOMATIC; NEUROMELANOSIS. Identifiers: Orphanet 2481, MedGen C0544862, MONDO:0009578, OMIM 249400.
RASopathy. Also called: Noonan spectrum disorder; rasopathies. Identifiers: Orphanet 536391, MedGen C5555857, MONDO:0021060.
Ras Inhibitor response. Identifiers: MedGen CN322756.
Embryonal rhabdomyosarcoma (ERMS). Also called: Botryoid rhabdomyosarcoma (type of ERMS); Spindle cell rhabdomyosarcomas (type of ERMS). Identifiers: Orphanet 99757, MedGen C0206656, MONDO:0009993, HP:0006743.
Malignant peripheral nerve sheath tumor. Identifiers: Orphanet 3148, MedGen C0751690, MONDO:0017827, HP:0100697.
Spitzoid melanoma. Identifiers: MedGen C3495721, MONDO:0850101.
Melanoma. Identifiers: MedGen C0025202, MeSH D008545, MONDO:0005105, HP:0002861.
Atypical teratoid rhabdoid tumor. Also called: Atypical teratoid/rhabdoid tumor. Identifiers: Orphanet 99966, MedGen C1266184, MONDO:0020560, HP:0034401.
Neuroblastoma (NB). Identifiers: Orphanet 635, MedGen C0027819, MeSH D009447, MONDO:0005072, HP:0003006.
Alveolar rhabdomyosarcoma (RMS2). Also called: RHABDOMYOSARCOMA 2; Alveolar rhabdomyosarcoma (disease). Identifiers: Orphanet 780, Orphanet 99756, MedGen C0206655, MONDO:0009994, OMIM 268220, HP:0006779.
Neoplasm. Also called: tumor; Neoplasms; Neoplasm (disease). Identifiers: MedGen C0027651, MeSH D009369, MONDO:0005070, HP:0002664.

Allele frequency attached by ClinVar (database versions not stated): TOPMed below 0.00001.

Submissions 1 to 8 of 18:

Department of Clinical Genetics, Copenhagen University Hospital, Rigshospitalet
Classification: Likely pathogenic for Epidermal nevus; Large congenital melanocytic nevus. Last evaluated: 2025-04-22. Review status: criteria provided, single submitter. Criteria: ACMG Guidelines, 2015. Collection method: clinical testing. Allele origin: germline.
Comment: Detected variant allele frequency: 10%. The following ACMG criteria has been used modified using ClinGen Rasopathy guideline (PMID 29493581): PS2_M, PS3_su, PS4_su, PM1_m, PP3_m

Institute for Genomic Medicine (IGM) Clinical Laboratory, Nationwide Children's Hospital
Classification: Tier I - Strong for Spitzoid melanoma. Assertion type: diagnostic. Clinical significance: supports diagnosis. Last evaluated: 2025-03-24. Review status: criteria provided, single submitter. Criteria: AMP/ASCO/CAP Guidelines, 2017. Collection method: clinical testing. Allele origin: somatic. Affected: yes.
Comment: Variant has Tier I (strong) clinical significance as a diagnostic inclusion criterion in spitzoid melanoma, based on the following evidence: 1) Documented in one or more cancer databases (e.g., St. Jude Pecan, COSMIC, CIViC, OncoKB). 2) Information in the literature supports potential biologic effect of variant (PMIDs: 20194776, 34117033, 3510078). 3) Diagnostic for a specific tumor type/classification based on well-powered studies with expert-level consensus (Evidence Level B; PMIDs: 16096402, 28186096, 31900433, 32004563).

Center for Genomic Medicine, Rigshospitalet, Copenhagen University Hospital
Classification: Oncogenic for Neoplasm. Last evaluated: 2025-03-04. Review status: criteria provided, single submitter. Criteria: ClinGen/CGC/VICC Guidelines for Oncogenicity, 2022. Collection method: clinical testing. Allele origin: somatic. Affected: yes.

Institute for Genomic Medicine (IGM) Clinical Laboratory, Nationwide Children's Hospital
Classification: Tier I - Strong for Embryonal rhabdomyosarcoma. Assertion type: diagnostic. Clinical significance: supports diagnosis. Last evaluated: 2025-01-20. Review status: criteria provided, single submitter. Criteria: AMP/ASCO/CAP Guidelines, 2017. Collection method: clinical testing. Allele origin: somatic. Affected: yes.
Comment: Variant has Tier I (strong) clinical significance as a diagnostic inclusion criterion in embryonal rhabdomyosarcoma, based on the following evidence: 1) Documented in one or more cancer databases (e.g., St. Jude Pecan, COSMIC, CIViC, OncoKB). 2) Appears in one or more well-established professional guidelines (e.g., World Health Organization [WHO]; National Comprehensive Cancer Network [NCCN]) as providing diagnostic, prognostic, or therapeutic information. 3) Information in the literature supports potential biologic effect of variant (PMIDs: 22718121, 34117033, 3510078). 4) Diagnostic for a specific tumor type/classification based on well-powered studies with expert-level consensus (Evidence Level B; PMIDs: 19681119, 24332040, 24436047, 25768946, 2680062, 34166060).

Institute for Genomic Medicine (IGM) Clinical Laboratory, Nationwide Children's Hospital
Classification: Tier II - Potential for Neuroblastoma. Assertion type: diagnostic. Clinical significance: supports diagnosis. Last evaluated: 2024-06-13. Review status: criteria provided, single submitter. Criteria: AMP/ASCO/CAP Guidelines, 2017. Collection method: clinical testing. Allele origin: somatic. Affected: yes. Not counted in ClinVar's aggregate classification.
Comment: Variant has Tier II (potential) clinical significance as a diagnostic inclusion criterion in neuroblastoma, based on the following evidence: 1) Documented in one or more cancer databases (e.g., St. Jude Pecan, COSMIC, CIViC, OncoKB). 2) Information in the literature supports potential biologic effect of variant (PMIDs: 22589270, 22718121, 30287508). 3) Diagnostic significance based on multiple small studies (Evidence Level C; PMIDs: 23334666, 26121087, 26821351, 27997549, 35689207).

Institute for Genomic Medicine (IGM) Clinical Laboratory, Nationwide Children's Hospital
Classification: Tier II - Potential for Malignant peripheral nerve sheath tumor. Assertion type: diagnostic. Clinical significance: supports diagnosis. Last evaluated: 2024-05-20. Review status: criteria provided, single submitter. Criteria: AMP/ASCO/CAP Guidelines, 2017. Collection method: clinical testing. Allele origin: somatic. Affected: yes. Not counted in ClinVar's aggregate classification.
Comment: Variant has Tier II (potential) clinical significance as a diagnostic inclusion criterion in malignant peripheral nerve sheath tumor, based on the following evidence: 1) Documented in one or more cancer databases (e.g., St. Jude Pecan, COSMIC, CIViC, OncoKB). 2) Information in the literature supports potential biologic effect of variant (PMIDs: 30287508, 22589270). 3) Diagnostic significance based on multiple small studies (Evidence Level C; PMIDs: 25252692, 28668077, 24436047, 34166060, 27391150, 24896186). 4) Assists in diagnosis alone or along with other biomarkers based on small studies or few case reports (Evidence Level D; PMID: 29118384).

Institute for Genomic Medicine (IGM) Clinical Laboratory, Nationwide Children's Hospital
Classification: Tier II - Potential for Atypical teratoid rhabdoid tumor. Assertion type: diagnostic. Clinical significance: supports diagnosis. Last evaluated: 2024-03-28. Review status: criteria provided, single submitter. Criteria: AMP/ASCO/CAP Guidelines, 2017. Collection method: clinical testing. Allele origin: somatic. Affected: yes. Not counted in ClinVar's aggregate classification.
Comment: Variant has Tier II (potential) clinical significance as a diagnostic inclusion criterion in atypical teratoid rhabdoid tumor, based on the following evidence: 1) Documented in one or more cancer databases (e.g., St. Jude Pecan, COSMIC, CIViC, OncoKB). 2) Information in the literature supports potential biologic effect of variant (PMIDs: 2105846, 22589270, 30287508). 3) Diagnostic significance based on multiple small studies (Evidence Level C; PMIDs: 15517309, 25256166).

Institute for Genomic Medicine (IGM) Clinical Laboratory, Nationwide Children's Hospital
Classification: Tier I - Strong for Melanoma. Assertion type: diagnostic. Clinical significance: supports diagnosis. Last evaluated: 2024-02-06. Review status: criteria provided, single submitter. Criteria: AMP/ASCO/CAP Guidelines, 2017. Collection method: clinical testing. Allele origin: somatic. Affected: yes.
Comment: Variant has Tier I (strong) clinical significance as a diagnostic inclusion criterion in melanoma, based on the following evidence: 1) Documented in one or more cancer databases (e.g., St. Jude Pecan, COSMIC, CIViC, OncoKB). 2) Appears in one or more well-established professional guidelines (e.g., World Health Organization [WHO]; National Comprehensive Cancer Network [NCCN]) as providing diagnostic, prognostic, or therapeutic information. 3) Information in the literature supports potential biologic effect of variant (PMIDs: 22718121, 34117033). 4) Diagnostic for a specific tumor type/classification based on well-powered studies with expert-level consensus (Evidence Level B; PMIDs: 28668077, 16462768, 22614978, 28717400, 29156659, 28797232, 34135599, 35672316, 25252692, 25796376, 32100585, 25534128, 23303902, 23392294).

NM_002524.5(NRAS):c.181C>A (p.Gln61Lys)

Gene: NRAS (NRAS proto-oncogene, GTPase; minus strand). Cytogenetic location: 1p13.2.
Variant type: single nucleotide variant.
Coding change: c.181C>A on transcript NM_002524.5 (MANE Select); coding-DNA position 181, C replaced by A.
Protein change: p.Gln61Lys; replaces glutamine 61 with lysine.
Molecular consequence: missense variant.
Genome position (GRCh38, 1-based): chr1:114,713,909, G>T on the plus strand (C>A on the coding strand, the complement: NRAS is on the minus strand). VCF-style: chr1-114713909-G-T. GRCh37 (hg19) VCF-style: chr1-115256530-G-T.
Other names: short protein forms Q61K.
Identifiers: ClinVar variation 73058 (VCV000073058.51), dbSNP rs121913254, ClinGen allele CA151263.